The following is an entry in ClinVar:

ClinVar aggregate classification (germline): Likely pathogenic (1 of 4 stars; one submission).

Submission:

GeneDx
Classification: Likely pathogenic. Last evaluated: 2014-09-24. Review status: criteria provided, single submitter. Criteria: GeneDx Variant Classification (06012015). Collection method: clinical testing. Allele origin: germline. Affected: yes.
Comment: The C560Y variant has not been published as a pathogenic variant, nor has it been reported as a benign polymorphism to our knowledge.The C560Y variant was not observed in approximately 6,500 individuals of European and African American ancestry in an external variant database indicating it is not a common benign variant in these populations. The C560Y variant is a non-conservative amino acid substitution, which is likely to impact secondary protein structure as these residues differ in polarity, charge, size and/or other properties. This substitution occurs at a position within the protein kinase domain that is conserved across species. In silico analysis predicts this variant is probably damaging to the protein structure/function. A nonconservative missense variant in a nearby residue (C564R) has been reported in the Human Gene Mutation Database in association with severe combined immunodeficiency (Stenson et al., 2009), supporting the functional importance of this region of the protein. Therefore, this variant is a strong candidate for a pathogenic variant, however the possibility that it is a benign variant cannot be excluded.

NM_001079.4(ZAP70):c.1679G>A (p.Cys560Tyr)

Gene: ZAP70 (zeta chain of T cell receptor associated protein kinase 70; plus strand). Cytogenetic location: 2q11.2.
Variant type: single nucleotide variant.
Coding change: c.1679G>A on transcript NM_001079.4 (MANE Select); coding-DNA position 1679, G replaced by A.
Protein change: p.Cys560Tyr; replaces cysteine 560 with tyrosine.
Molecular consequence: missense variant.
Genome position (GRCh38, 1-based): chr2:97,738,050, G>A. VCF-style: chr2-97738050-G-A. GRCh37 (hg19) VCF-style: chr2-98354513-G-A.
Other names: c.1679G>A, p.Cys560Tyr (NM_001378594.1); c.758G>A, p.Cys253Tyr (NM_207519.2); short protein forms C560Y, C253Y.
Identifiers: ClinVar variation 418549 (VCV000418549.2), dbSNP rs1064793298, ClinGen allele CA16617775.